The following is an entry in ClinVar:

NM_001273.5(CHD4):c.-19T>C

Gene: CHD4 (chromodomain helicase DNA binding protein 4; minus strand). Cytogenetic location: 12p13.31.
Variant type: single nucleotide variant.
Coding change: c.-19T>C on transcript NM_001273.5 (MANE Select); 19 bases upstream of the start codon, T replaced by C.
Molecular consequence: 5 prime UTR variant.
Genome position (GRCh38, 1-based): chr12:6,606,392, A>G on the plus strand (T>C on the coding strand, the complement: CHD4 is on the minus strand). VCF-style: chr12-6606392-A-G. GRCh37 (hg19) VCF-style: chr12-6715558-A-G.
Other names: c.-19T>C (NM_001297553.2, NM_001363606.2).
Identifiers: ClinVar variation 3895784 (VCV003895784.1).

ClinVar aggregate classification (germline): Uncertain significance (1 of 4 stars; one submission).

Submission:

Women's Health and Genetics/Laboratory Corporation of America, LabCorp
Classification: Uncertain significance. Last evaluated: 2025-03-07. Review status: criteria provided, single submitter. Criteria: LabCorp Variant Classification Summary - May 2015. Collection method: clinical testing. Allele origin: germline.
Comment: Variant summary: CHD4 c.-19T>C is located in the untranslated mRNA region upstream of the initiation codon. The variant allele was found at a frequency of 3.5e-05 in 200394 control chromosomes (gnomAD). The available data on variant occurrences in the general population are insufficient to allow any conclusion about variant significance. To our knowledge, no occurrence of c.-19T>C in individuals affected with Sifrim-Hitz Syndrome and no experimental evidence demonstrating its impact on protein function have been reported. No submitters have cited clinical-significance assessments for this variant to ClinVar. Based on the evidence outlined above, the variant was classified as uncertain significance.